The following is an entry in ClinVar:

ClinVar aggregate classification (germline): Benign/Likely benign. Review status: criteria provided, multiple submitters, no conflicts (2 of 4 stars). 4 submissions from 4 submitters: Benign (2); Likely benign (2). Last evaluated 2026-01-19.

Conditions:
Neuronal ceroid lipofuscinosis. Also called: Neuronal Ceroid Lipofuscinoses. Identifiers: Orphanet 216, Orphanet 79263, MedGen C0027877, MONDO:0016295. Disease mechanism: loss of function.
Ceroid lipofuscinosis, neuronal, 4 (Kufs type) (CLN4). Also called: Ceroid lipofuscinosis, neuronal, 4, Parry type; Neuronal ceroid lipofuscinosis 4B. Identifiers: Orphanet 228343, Orphanet 79262, MedGen C1834207, MONDO:0008083, OMIM 162350.

Allele frequency attached by ClinVar (database versions not stated): TOPMed 0.00025; ESP Exome Variant Server 0.00031; gnomAD exomes 0.00033 and 0.00052; ExAC 0.00052; gnomAD 0.00070 and 0.00074.
gnomAD v4.1: 585 of 1,609,466 alleles (0.036%); highest among the groups gnomAD compares: Non-Finnish European, 0.028%; 2 homozygotes.

Submissions (4):

Labcorp Genetics (formerly Invitae), Labcorp
Classification: Benign for Neuronal ceroid lipofuscinosis. Last evaluated: 2026-01-19. Review status: criteria provided, single submitter. Criteria: Invitae Variant Classification Sherloc (09022015). Collection method: clinical testing. Allele origin: germline.

Blueprint Genetics
Classification: Likely benign. Last evaluated: 2024-11-21. Review status: criteria provided, single submitter. Criteria: ACMG Guidelines, 2015. Collection method: clinical testing. Allele origin: germline.

GeneDx
Classification: Likely benign. Last evaluated: 2018-03-02. Review status: criteria provided, single submitter. Criteria: GeneDx Variant Classification (06012015). Collection method: clinical testing. Allele origin: germline. Affected: yes.
Comment: This variant is considered likely benign or benign based on one or more of the following criteria: it is a conservative change, it occurs at a poorly conserved position in the protein, it is predicted to be benign by multiple in silico algorithms, and/or has population frequency not consistent with disease.

Illumina Laboratory Services, Illumina
Classification: Benign for Ceroid lipofuscinosis, neuronal, 4 (Kufs type). Last evaluated: 2018-01-13. Review status: criteria provided, single submitter. Criteria: ICSL Variant Classification Criteria 13 December 2019. Collection method: clinical testing. Allele origin: germline.
Comment: This variant was observed in the ICSL laboratory as part of a predisposition screen in an ostensibly healthy population. It had not been previously curated by ICSL or reported in the Human Gene Mutation Database (HGMD: prior to June 1st, 2018), and was therefore a candidate for classification through an automated scoring system. Utilizing variant allele frequency, disease prevalence and penetrance estimates, and inheritance mode, an automated score was calculated to assess if this variant is too frequent to cause the disease. Based on the score and internal cut-off values, a variant classified as benign is not then subjected to further curation. The score for this variant resulted in a classification of benign for this disease.

NM_025219.3(DNAJC5):c.107+12A>G

Gene: DNAJC5 (DnaJ heat shock protein family (Hsp40) member C5; plus strand). Cytogenetic location: 20q13.33.
Variant type: single nucleotide variant.
Coding change: c.107+12A>G on transcript NM_025219.3 (MANE Select); 12 bases into the intron after coding-DNA position 107, A replaced by G.
Molecular consequence: intron variant.
Genome position (GRCh38, 1-based): chr20:63,928,464, A>G. VCF-style: chr20-63928464-A-G. GRCh37 (hg19) VCF-style: chr20-62559817-A-G.
Identifiers: ClinVar variation 205371 (VCV000205371.14), dbSNP rs372843187, ClinGen allele CA314383.
Genomic context (GRCh38, chr20:63,928,464, plus strand): 5'-TTGGGTTGGACAAGAACGCAACCTCAGATGACATTAAAAAGTCCTATCGGTAAGTGGACA[A>G]GTGTGGCCCCCACATCCCCCCAGGAAGACACACATGCCCCGTGTGGTTTAGTCTGCATTT-3'